The following is an entry in ClinVar:

NM_006231.4(POLE):c.1585G>A (p.Asp529Asn)

Gene: POLE (DNA polymerase epsilon, catalytic subunit; minus strand). Cytogenetic location: 12q24.33.
Variant type: single nucleotide variant.
Coding change: c.1585G>A on transcript NM_006231.4 (MANE Select); coding-DNA position 1585, G replaced by A.
Protein change: p.Asp529Asn; replaces aspartic acid 529 with asparagine.
Molecular consequence: missense variant.
Genome position (GRCh38, 1-based): chr12:132,672,728, C>T on the plus strand (G>A on the coding strand, the complement: POLE is on the minus strand). VCF-style: chr12-132672728-C-T. GRCh37 (hg19) VCF-style: chr12-133249314-C-T.
Other names: short protein forms D529N.
Identifiers: ClinVar variation 1775790 (VCV001775790.2), dbSNP rs2542135173, ClinGen allele CA387356928.

ClinVar aggregate classification (germline): Uncertain significance (1 of 4 stars; one submission).

Conditions:
Hereditary cancer-predisposing syndrome. Also called: Neoplastic Syndromes, Hereditary; Tumor predisposition; Hereditary Cancer Syndrome; Hereditary neoplastic syndrome. Identifiers: Orphanet 140162, MedGen C0027672, MeSH D009386, MONDO:0015356.

Submission:

Ambry Genetics
Classification: Uncertain significance for Hereditary cancer-predisposing syndrome. Last evaluated: 2021-10-14. Review status: criteria provided, single submitter. Criteria: Ambry Variant Classification Scheme 2023. Collection method: clinical testing. Allele origin: germline.
Comment: The p.D529N variant (also known as c.1585G>A), located in coding exon 15 of the POLE gene, results from a G to A substitution at nucleotide position 1585. The aspartic acid at codon 529 is replaced by asparagine, an amino acid with highly similar properties. This amino acid position is conserved. In addition, this alteration is predicted to be tolerated by in silico analysis. Since supporting evidence is limited at this time, the clinical significance of this alteration remains unclear.